The following is an entry in ClinVar:

ClinVar aggregate classification (germline): Uncertain significance. Review status: criteria provided, multiple submitters, no conflicts (2 of 4 stars). 6 submissions from 6 submitters: Uncertain significance (5). 1 of the submissions does not count toward it. Last evaluated 2024-12-07.

Conditions:
Fanconi anemia complementation group A (FANCA). Also called: FANCA-Related Fanconi Anemia; Fanconi anemia, group A. Identifiers: Orphanet 84, MedGen C3469521, MONDO:0009215, OMIM 227650.
Inborn genetic diseases. Identifiers: MedGen C0950123, MeSH D030342.
Fanconi anemia (FA). Also called: Fanconi's anemia. Identifiers: Orphanet 84, MedGen C0015625, MeSH D005199, MONDO:0019391.

Allele frequency attached by ClinVar (database versions not stated): gnomAD 0.00001; gnomAD exomes 0.00001 and 0.00002; TOPMed 0.00001; ExAC 0.00002; ESP Exome Variant Server 0.00008.
gnomAD v4.1: 27 of 1,612,898 alleles (0.0017%); highest among the groups gnomAD compares: Non-Finnish European, 0.0023%; no homozygotes.

Submissions (6):

Ambry Genetics
Classification: Uncertain significance for Inborn genetic diseases. Last evaluated: 2024-12-07. Review status: criteria provided, single submitter. Criteria: Ambry Variant Classification Scheme 2023. Collection method: clinical testing. Allele origin: germline.
Comment: The p.S337C variant (also known as c.1010C>G), located in coding exon 12 of the FANCA gene, results from a C to G substitution at nucleotide position 1010. The serine at codon 337 is replaced by cysteine, an amino acid with dissimilar properties. This amino acid position is conserved. In addition, this alteration is predicted to be tolerated by in silico analysis. Based on the available evidence, the clinical significance of this variant remains unclear.

Labcorp Genetics (formerly Invitae), Labcorp
Classification: Uncertain significance for Fanconi anemia. Last evaluated: 2024-09-05. Review status: criteria provided, single submitter. Criteria: Invitae Variant Classification Sherloc (09022015). Collection method: clinical testing. Allele origin: germline.
Comment: This sequence change replaces serine, which is neutral and polar, with cysteine, which is neutral and slightly polar, at codon 337 of the FANCA protein (p.Ser337Cys). This variant is present in population databases (rs374835951, gnomAD 0.004%). This variant has not been reported in the literature in individuals affected with FANCA-related conditions. ClinVar contains an entry for this variant (Variation ID: 660855). Invitae Evidence Modeling of protein sequence and biophysical properties (such as structural, functional, and spatial information, amino acid conservation, physicochemical variation, residue mobility, and thermodynamic stability) indicates that this missense variant is expected to disrupt FANCA protein function with a positive predictive value of 80%. In summary, the available evidence is currently insufficient to determine the role of this variant in disease. Therefore, it has been classified as a Variant of Uncertain Significance.

Fulgent Genetics
Classification: Uncertain significance for Fanconi anemia complementation group A. Last evaluated: 2024-05-29. Review status: criteria provided, single submitter. Criteria: ACMG Guidelines, 2015. Collection method: clinical testing. Allele origin: germline.

Quest Diagnostics Nichols Institute San Juan Capistrano
Classification: Uncertain significance. Last evaluated: 2024-01-26. Review status: criteria provided, single submitter. Criteria: Quest Diagnostics criteria. Collection method: clinical testing. Allele origin: unknown.
Comment: The FANCA c.1010C>G (p.Ser337Cys) variant has not been reported in individuals with FANCA-related conditions in the published literature. The frequency of this variant in the general population, 0.000027 (3/111166 chromosomes (Genome Aggregation Database)), is uninformative in the assessment of its pathogenicity. Analysis of this variant using bioinformatics tools for the prediction of the effect of amino acid changes on protein structure and function yielded predictions that this variant is benign. Based on the available information, we are unable to determine the clinical significance of this variant.

Blueprint Genetics
Classification: Uncertain significance. Last evaluated: 2022-04-09. Review status: criteria provided, single submitter. Criteria: ACMG Guidelines, 2015. Collection method: clinical testing. Allele origin: germline.

Natera, Inc.
Classification: Uncertain significance for Fanconi anemia. Last evaluated: 2020-08-04. Review status: no assertion criteria provided. Collection method: clinical testing. Allele origin: germline. Not counted in ClinVar's aggregate classification.

NM_000135.4(FANCA):c.1010C>G (p.Ser337Cys)

Gene: FANCA (FA complementation group A; minus strand). Cytogenetic location: 16q24.3.
Variant type: single nucleotide variant.
Coding change: c.1010C>G on transcript NM_000135.4 (MANE Select); coding-DNA position 1010, C replaced by G.
Protein change: p.Ser337Cys; replaces serine 337 with cysteine.
Molecular consequence: missense variant.
Genome position (GRCh38, 1-based): chr16:89,792,544, G>C on the plus strand (C>G on the coding strand, the complement: FANCA is on the minus strand). VCF-style: chr16-89792544-G-C. GRCh37 (hg19) VCF-style: chr16-89858952-G-C.
Other names: c.1010C>G (LRG_495t1, NM_000135.3); c.1010C>G, p.Ser337Cys (NM_001286167.3); short protein forms S337C.
Identifiers: ClinVar variation 660855 (VCV000660855.12), dbSNP rs374835951, ClinGen allele CA8252561.